The following is an entry in ClinVar:

ClinVar aggregate classification (germline): Uncertain significance (1 of 4 stars; one submission).

Conditions:
ALG8 congenital disorder of glycosylation. Also called: CONGENITAL DISORDER OF GLYCOSYLATION, TYPE Ih; CDG Ih; ALG8-CDG. Identifiers: Orphanet 79325, MedGen C2931002, MONDO:0011969, OMIM 608104.

Submission:

Labcorp Genetics (formerly Invitae), Labcorp
Classification: Uncertain significance for ALG8 congenital disorder of glycosylation. Last evaluated: 2024-11-19. Review status: criteria provided, single submitter. Criteria: Invitae Variant Classification Sherloc (09022015). Collection method: clinical testing. Allele origin: germline.
Comment: This sequence change replaces threonine, which is neutral and polar, with serine, which is neutral and polar, at codon 461 of the ALG8 protein (p.Thr461Ser). This variant is not present in population databases (gnomAD no frequency). This variant has not been reported in the literature in individuals affected with ALG8-related conditions. Invitae Evidence Modeling of protein sequence and biophysical properties (such as structural, functional, and spatial information, amino acid conservation, physicochemical variation, residue mobility, and thermodynamic stability) indicates that this missense variant is not expected to disrupt ALG8 protein function with a negative predictive value of 80%. In summary, the available evidence is currently insufficient to determine the role of this variant in disease. Therefore, it has been classified as a Variant of Uncertain Significance.

NM_024079.5(ALG8):c.1382C>G (p.Thr461Ser)

Gene: ALG8 (ALG8 alpha-1,3-glucosyltransferase; minus strand). Cytogenetic location: 11q14.1.
Variant type: single nucleotide variant.
Coding change: c.1382C>G on transcript NM_024079.5 (MANE Select); coding-DNA position 1382, C replaced by G.
Protein change: p.Thr461Ser; replaces threonine 461 with serine.
Molecular consequence: missense variant. On other transcripts: 3 prime UTR variant (6), non-coding transcript variant (2).
Genome position (GRCh38, 1-based): chr11:78,101,163, G>C on the plus strand (C>G on the coding strand, the complement: ALG8 is on the minus strand). VCF-style: chr11-78101163-G-C. GRCh37 (hg19) VCF-style: chr11-77812209-G-C.
Other names: c.*53C>G (NM_001007027.3, NM_001425236.1, NM_001425237.1 and 1 more transcripts); c.1385C>G, p.Thr462Ser (NM_001425219.1); c.1367C>G, p.Thr456Ser (NM_001425220.1); c.1307C>G, p.Thr436Ser (NM_001425221.1); c.1406C>G, p.Thr469Ser (NM_001425222.1); c.1376C>G, p.Thr459Ser (NM_001425223.1); c.1475C>G, p.Thr492Ser (NM_001425224.1); c.1430C>G, p.Thr477Ser (NM_001425225.1); and 15 more; short protein forms T373S, T394S, T289S, T333S, T403S, T459S, T461S, T492S.
Identifiers: ClinVar variation 3704803 (VCV003704803.2).